The following is an entry in ClinVar:

ClinVar aggregate classification (germline): Conflicting classifications of pathogenicity. Review status: criteria provided, conflicting classifications (1 of 4 stars). 15 submissions from 15 submitters: Uncertain significance (1); Benign (5); Likely benign (4). 5 of the submissions do not count toward it. Last evaluated 2026-03-01.

Conditions:
Cardiovascular phenotype. Identifiers: MedGen CN230736.
Sick sinus syndrome 2, autosomal dominant (SSS2). Also called: SINUS BRADYCARDIA SYNDROME, FAMILIAL, AUTOSOMAL DOMINANT; SINUS NODE DISEASE, FAMILIAL, AUTOSOMAL DOMINANT; SICK SINUS SYNDROME 2; SICK SINUS SYNDROME 2 WITH OR WITHOUT CARDIAC NONCOMPACTION AND/OR ASCENDING AORTA DILATION; ATRIAL FIBRILLATION WITH BRADYARRHYTHMIA. Identifiers: Orphanet 166282, MedGen C1834144, MONDO:0008102, OMIM 163800.
Brugada syndrome 8 (BRGDA8). Identifiers: Orphanet 130, MedGen C2751083, MONDO:0013148, OMIM 613123.

Allele frequency attached by ClinVar (database versions not stated): 1000 Genomes Project 0.00080; ESP Exome Variant Server 0.00092; 1000 Genomes Project 30x 0.00094; gnomAD exomes 0.00100 and 0.00179; TOPMed 0.00102; ExAC 0.00106; gnomAD 0.00111 and 0.00116.
gnomAD v4.1: 2,753 of 1,614,046 alleles (0.17%); highest among the groups gnomAD compares: Non-Finnish European, 0.21%; 5 homozygotes.

Submissions (15):

CeGaT Center for Human Genetics Tuebingen
Classification: Likely benign. Last evaluated: 2026-03-01. Review status: criteria provided, single submitter. Criteria: CeGaT Center For Human Genetics Tuebingen Variant Classification Criteria Version 2. Collection method: clinical testing. Allele origin: germline. Affected: yes. Observed: 1 variant allele.
Comment: HCN4: BP4, BS1

Labcorp Genetics (formerly Invitae), Labcorp
Classification: Benign for Brugada syndrome 8. Last evaluated: 2026-02-01. Review status: criteria provided, single submitter. Criteria: Invitae Variant Classification Sherloc (09022015). Collection method: clinical testing. Allele origin: germline.

Molecular Diagnostic Laboratory for Inherited Cardiovascular Disease, Montreal Heart Institute
Classification: Likely benign. Last evaluated: 2025-04-09. Review status: criteria provided, single submitter. Criteria: ACMG Guidelines, 2015. Collection method: clinical testing. Allele origin: germline. Affected: no.

Blueprint Genetics
Classification: Likely benign. Last evaluated: 2024-11-23. Review status: criteria provided, single submitter. Criteria: ACMG Guidelines, 2015. Collection method: clinical testing. Allele origin: germline.

Women's Health and Genetics/Laboratory Corporation of America, LabCorp
Classification: Benign. Last evaluated: 2024-08-11. Review status: criteria provided, single submitter. Criteria: LabCorp Variant Classification Summary - May 2015. Collection method: clinical testing. Allele origin: germline.

Athena Diagnostics
Classification: Benign. Last evaluated: 2020-07-16. Review status: criteria provided, single submitter. Criteria: Athena Diagnostics Criteria. Collection method: clinical testing. Allele origin: unknown.

Eurofins Ntd Llc (ga)
Classification: Uncertain significance. Last evaluated: 2018-08-16. Review status: criteria provided, single submitter. Criteria: EGL ClinVar v180209 classification definitions. Collection method: clinical testing. Allele origin: germline. Observed: 4 variant alleles, 4 heterozygotes.

Illumina Laboratory Services, Illumina
Classification: Benign for Sick sinus syndrome 2, autosomal dominant. Last evaluated: 2018-01-13. Review status: criteria provided, single submitter. Criteria: ICSL Variant Classification Criteria 13 December 2019. Collection method: clinical testing. Allele origin: germline.
Comment: This variant was observed in the ICSL laboratory as part of a predisposition screen in an ostensibly healthy population. It had not been previously curated by ICSL or reported in the Human Gene Mutation Database (HGMD: prior to June 1st, 2018), and was therefore a candidate for classification through an automated scoring system. Utilizing variant allele frequency, disease prevalence and penetrance estimates, and inheritance mode, an automated score was calculated to assess if this variant is too frequent to cause the disease. Based on the score and internal cut-off values, a variant classified as benign is not then subjected to further curation. The score for this variant resulted in a classification of benign for this disease.

Ambry Genetics
Classification: Likely benign for Cardiovascular phenotype. Last evaluated: 2016-06-20. Review status: criteria provided, single submitter. Criteria: Ambry Variant Classification Scheme 2023. Collection method: clinical testing. Allele origin: germline.

GeneDx
Classification: Benign. Last evaluated: 2015-04-02. Review status: criteria provided, single submitter. Criteria: GeneDx Variant Classification (06012015). Collection method: clinical testing. Allele origin: germline. Affected: yes.
Comment: This variant is considered likely benign or benign based on one or more of the following criteria: it is a conservative change, it occurs at a poorly conserved position in the protein, it is predicted to be benign by multiple in silico algorithms, and/or has population frequency not consistent with disease.

Clinical Genetics DNA and cytogenetics Diagnostics Lab, Erasmus MC, Erasmus Medical Center
Classification: Likely benign. Review status: no assertion criteria provided. Collection method: clinical testing. Allele origin: germline. Affected: yes. Study: VKGL Data-share Consensus. Not counted in ClinVar's aggregate classification.

Clinical Genetics, Academic Medical Center
Classification: Benign. Review status: no assertion criteria provided. Collection method: clinical testing. Allele origin: germline. Affected: yes. Study: VKGL Data-share Consensus. Not counted in ClinVar's aggregate classification.

Diagnostic Laboratory, Department of Genetics, University Medical Center Groningen
Classification: Likely benign. Review status: no assertion criteria provided. Collection method: clinical testing. Allele origin: germline. Affected: yes. Study: VKGL Data-share Consensus. Not counted in ClinVar's aggregate classification.

Genome Diagnostics Laboratory, University Medical Center Utrecht
Classification: Likely benign. Review status: no assertion criteria provided. Collection method: clinical testing. Allele origin: germline. Affected: yes. Study: VKGL Data-share Consensus. Not counted in ClinVar's aggregate classification.

Joint Genome Diagnostic Labs from Nijmegen and Maastricht, Radboudumc and MUMC+
Classification: Benign. Review status: no assertion criteria provided. Collection method: clinical testing. Allele origin: germline. Affected: yes. Study: VKGL Data-share Consensus. Not counted in ClinVar's aggregate classification.

NM_005477.3(HCN4):c.1356C>T (p.Ser452=)

Gene: HCN4 (hyperpolarization activated cyclic nucleotide gated potassium channel 4; minus strand). Cytogenetic location: 15q24.1.
Variant type: single nucleotide variant.
Coding change: c.1356C>T on transcript NM_005477.3 (MANE Select); coding-DNA position 1356, C replaced by T.
Protein change: p.Ser452=; no amino-acid change (serine 452 retained).
Molecular consequence: synonymous variant.
Genome position (GRCh38, 1-based): chr15:73,332,146, G>A on the plus strand (C>T on the coding strand, the complement: HCN4 is on the minus strand). VCF-style: chr15-73332146-G-A. GRCh37 (hg19) VCF-style: chr15-73624487-G-A.
Identifiers: ClinVar variation 286612 (VCV000286612.39), dbSNP rs148453034, ClinGen allele CA7649323.